The following is an entry in ClinVar:

NM_015474.4(SAMHD1):c.852G>A (p.Leu284=)

Gene: SAMHD1 (SAM and HD domain containing deoxynucleoside triphosphate triphosphohydrolase 1; minus strand). Cytogenetic location: 20q11.23.
Variant type: single nucleotide variant.
Coding change: c.852G>A on transcript NM_015474.4 (MANE Select); coding-DNA position 852, G replaced by A.
Protein change: p.Leu284=; no amino-acid change (leucine 284 retained).
Molecular consequence: synonymous variant.
Genome position (GRCh38, 1-based): chr20:36,919,364, C>T on the plus strand (G>A on the coding strand, the complement: SAMHD1 is on the minus strand). VCF-style: chr20-36919364-C-T. GRCh37 (hg19) VCF-style: chr20-35547767-C-T.
Other names: c.852G>A, p.Leu284= (NM_001363729.2, NM_001363733.2).
Identifiers: ClinVar variation 1430255 (VCV001430255.6), dbSNP rs2146119382, ClinGen allele CA510392614.

ClinVar aggregate classification (germline): Uncertain significance (1 of 4 stars; one submission).

Conditions:
Aicardi-Goutieres syndrome 5. Identifiers: Orphanet 51, MedGen C2749659, MONDO:0013059, OMIM 612952.

Submission:

Labcorp Genetics (formerly Invitae), Labcorp
Classification: Uncertain significance for Aicardi-Goutieres syndrome 5. Last evaluated: 2022-10-14. Review status: criteria provided, single submitter. Criteria: Invitae Variant Classification Sherloc (09022015). Collection method: clinical testing. Allele origin: germline.
Comment: In summary, the available evidence is currently insufficient to determine the role of this variant in disease. Therefore, it has been classified as a Variant of Uncertain Significance. Variants that disrupt the consensus splice site are a relatively common cause of aberrant splicing (PMID: 17576681, 9536098). Algorithms developed to predict the effect of sequence changes on RNA splicing suggest that this variant is not likely to affect RNA splicing. ClinVar contains an entry for this variant (Variation ID: 1430255). This variant has not been reported in the literature in individuals affected with SAMHD1-related conditions. This variant is not present in population databases (gnomAD no frequency). This sequence change affects codon 284 of the SAMHD1 mRNA. It is a 'silent' change, meaning that it does not change the encoded amino acid sequence of the SAMHD1 protein. This variant also falls at the last nucleotide of exon 7, which is part of the consensus splice site for this exon.

Literature cited by the submitters: PubMed 17576681; PubMed 9536098.